The following is an entry in ClinVar:

NM_032409.3(PINK1):c.1099A>G (p.Asn367Asp)

Genes: PINK1 (PTEN induced kinase 1; plus strand), PINK1-AS (PINK1 antisense RNA; minus strand). Cytogenetic location: 1p36.12.
Variant type: single nucleotide variant.
Coding change: c.1099A>G on transcript NM_032409.3 (MANE Select); coding-DNA position 1099, A replaced by G.
Protein change: p.Asn367Asp; replaces asparagine 367 with aspartic acid.
Molecular consequence: missense variant.
Genome position (GRCh38, 1-based): chr1:20,645,699, A>G. VCF-style: chr1-20645699-A-G. GRCh37 (hg19) VCF-style: chr1-20972192-A-G.
Other names: short protein forms N367D.
Identifiers: ClinVar variation 2627455 (VCV002627455.1), dbSNP rs2053171495, ClinGen allele CA338834200.

ClinVar aggregate classification (germline): Uncertain significance (1 of 4 stars; one submission).

Conditions:
Autosomal recessive early-onset Parkinson disease 6 (PARK6). Also called: PINK1 Type of Young-Onset Parkinson Disease; PINK1-Related Parkinson Disease; PARKINSON DISEASE 6, MODIFIER OF; PARKINSON DISEASE 6, EARLY-ONSET. Identifiers: Orphanet 2828, MedGen C1853833, MONDO:0011613, OMIM 605909.

Submission:

Neuberg Centre For Genomic Medicine, NCGM
Classification: Uncertain significance for Autosomal recessive early-onset Parkinson disease 6. Review status: criteria provided, single submitter. Criteria: ACMG Guidelines, 2015. Collection method: clinical testing. Allele origin: germline. Inheritance: Autosomal recessive inheritance. Affected: yes.
Comment: The missense variant p.N367D in PINK1 (NM_032409.3) has not been reported previously as a pathogenic variant nor as a benign variant, to our knowledge. The p.N367D variant is novel (not in any individuals) in gnomAD Exomes and is novel (not in any individuals) in 1000 Genomes. The p.N367D missense variant is predicted to be damaging by both SIFT and PolyPhen2. The asparagine residue at codon 367 of PINK1 is conserved in all mammalian species. The nucleotide c.1099 in PINK1 is predicted conserved by GERP++ and PhyloP across 100 vertebrates. For these reasons, this variant has been classified as Uncertain Significance